The following is an entry in ClinVar:

ClinVar aggregate classification (germline): Uncertain significance. Review status: criteria provided, multiple submitters, no conflicts (2 of 4 stars). 6 submissions from 6 submitters: Uncertain significance (5). 1 of the submissions does not count toward it. Last evaluated 2024-11-28.

Conditions:
Medulloblastoma (MDB). Also called: Medulloblastoma, somatic; MEDULLOBLASTOMA PREDISPOSITION SYNDROME. Identifiers: Orphanet 616, MedGen C0025149, MeSH D008527, MONDO:0007959, OMIM 155255, HP:0002885.
Familial dysautonomia. Also called: HSAN III; FD. Identifiers: Orphanet 1764, MedGen C0013364, MONDO:0009131, OMIM 223900. Disease mechanism: loss of function.

Allele frequency attached by ClinVar (database versions not stated): ExAC 0.00001; gnomAD 0.00001; gnomAD exomes 0.00001 and 0.00004; TOPMed 0.00002.
gnomAD v4.1: 62 of 1,613,578 alleles (0.0038%); highest among the groups gnomAD compares: Non-Finnish European, 0.0052%; no homozygotes.

Submissions (6):

Ambry Genetics
Classification: Uncertain significance. Last evaluated: 2024-11-28. Review status: criteria provided, single submitter. Criteria: Ambry Variant Classification Scheme 2023. Collection method: clinical testing. Allele origin: germline.

St. Jude Molecular Pathology, St. Jude Children's Research Hospital
Classification: Uncertain significance for Medulloblastoma. Last evaluated: 2024-10-30. Review status: criteria provided, single submitter. Criteria: St. Jude Assertion Criteria 2020. Collection method: clinical testing. Allele origin: germline.
Comment: The ELP1 c.856G>C (p.Glu286Gln) missense change has a maximum subpopulation frequency of 0.002% in gnomAD v2.1.1. The in silico tool REVEL predicts a benign effect on protein function, but to our knowledge this prediction has not been confirmed by functional studies. To our knowledge, this variant has not been reported in individuals with a personal or family history of medulloblastoma. In summary, the evidence currently available is insufficient to determine the clinical significance of this variant. It has therefore been classified as of uncertain significance.

Labcorp Genetics (formerly Invitae), Labcorp
Classification: Uncertain significance. Last evaluated: 2024-10-02. Review status: criteria provided, single submitter. Criteria: Invitae Variant Classification Sherloc (09022015). Collection method: clinical testing. Allele origin: germline.
Comment: This sequence change replaces glutamic acid, which is acidic and polar, with glutamine, which is neutral and polar, at codon 286 of the ELP1 protein (p.Glu286Gln). This variant is present in population databases (rs777790000, gnomAD 0.002%). This variant has not been reported in the literature in individuals affected with ELP1-related conditions. ClinVar contains an entry for this variant (Variation ID: 566741). Invitae Evidence Modeling of protein sequence and biophysical properties (such as structural, functional, and spatial information, amino acid conservation, physicochemical variation, residue mobility, and thermodynamic stability) indicates that this missense variant is not expected to disrupt ELP1 protein function with a negative predictive value of 80%. In summary, the available evidence is currently insufficient to determine the role of this variant in disease. Therefore, it has been classified as a Variant of Uncertain Significance.

Fulgent Genetics
Classification: Uncertain significance for Medulloblastoma; Familial dysautonomia. Last evaluated: 2024-03-19. Review status: criteria provided, single submitter. Criteria: ACMG Guidelines, 2015. Collection method: clinical testing. Allele origin: germline.

GeneDx
Classification: Uncertain significance. Last evaluated: 2022-06-28. Review status: criteria provided, single submitter. Criteria: GeneDx Variant Classification Process June 2021. Collection method: clinical testing. Allele origin: germline. Affected: yes.
Comment: Not observed at significant frequency in large population cohorts (gnomAD); In silico analysis supports that this missense variant does not alter protein structure/function; Has not been previously published as pathogenic or benign to our knowledge

Natera, Inc.
Classification: Uncertain significance for Familial dysautonomia. Last evaluated: 2020-09-16. Review status: no assertion criteria provided. Collection method: clinical testing. Allele origin: germline. Not counted in ClinVar's aggregate classification.

NM_003640.5(ELP1):c.856G>C (p.Glu286Gln)

Gene: ELP1 (elongator acetyltransferase complex subunit 1; minus strand). Cytogenetic location: 9q31.3.
Variant type: single nucleotide variant.
Coding change: c.856G>C on transcript NM_003640.5 (MANE Select); coding-DNA position 856, G replaced by C.
Protein change: p.Glu286Gln; replaces glutamic acid 286 with glutamine.
Molecular consequence: missense variant. On other transcripts: 5 prime UTR variant (1).
Genome position (GRCh38, 1-based): chr9:108,917,555, C>G on the plus strand (G>C on the coding strand, the complement: ELP1 is on the minus strand). VCF-style: chr9-108917555-C-G. GRCh37 (hg19) VCF-style: chr9-111679835-C-G.
Other names: c.856G>C (LRG_251t1); c.514G>C, p.Glu172Gln (NM_001318360.2); c.-192G>C (NM_001330749.2); short protein forms E286Q, E172Q.
Identifiers: ClinVar variation 566741 (VCV000566741.14), dbSNP rs777790000, ClinGen allele CA5175226.